The following is an entry in ClinVar:

ClinVar aggregate classification (germline): Uncertain significance (1 of 4 stars; one submission).

Conditions:
Inborn genetic diseases. Identifiers: MedGen C0950123, MeSH D030342.

Submission:

Ambry Genetics
Classification: Uncertain significance for Inborn genetic diseases. Last evaluated: 2026-06-09. Review status: criteria provided, single submitter. Criteria: Ambry Variant Classification Scheme 2023. Collection method: clinical testing. Allele origin: germline.
Comment: The p.D80H variant (also known as c.238G>C), located in coding exon 1 of the CEBPA gene, results from a G to C substitution at nucleotide position 238. The aspartic acid at codon 80 is replaced by histidine, an amino acid with similar properties. This amino acid position is highly conserved in available vertebrate species. In addition, this alteration is predicted to be tolerated by in silico analysis. Based on the available evidence, the clinical significance of this variant remains unclear.

NM_004364.5(CEBPA):c.238G>C (p.Asp80His)

Gene: CEBPA (CCAAT enhancer binding protein alpha; minus strand). Cytogenetic location: 19q13.11.
Variant type: single nucleotide variant.
Coding change: c.238G>C on transcript NM_004364.5 (MANE Select); coding-DNA position 238, G replaced by C.
Protein change: p.Asp80His; replaces aspartic acid 80 with histidine.
Molecular consequence: missense variant. On other transcripts: 5 prime UTR variant (1).
Genome position (GRCh38, 1-based): chr19:33,302,177, C>G on the plus strand (G>C on the coding strand, the complement: CEBPA is on the minus strand). VCF-style: chr19-33302177-C-G. GRCh37 (hg19) VCF-style: chr19-33793083-C-G.
Other names: c.-120G>C (NM_001285829.2); c.343G>C, p.Asp115His (NM_001287424.2); c.196G>C, p.Asp66His (NM_001287435.2); short protein forms D115H, D66H, D80H.
Identifiers: ClinVar variation 4868661 (VCV004868661.1).